The following is an entry in ClinVar:

ClinVar aggregate classification (germline): Pathogenic. Review status: criteria provided, single submitter (1 of 4 stars). 2 submissions from 1 submitter: Pathogenic (2). Last evaluated 2017-04-10.

Conditions:
Arrhythmogenic right ventricular dysplasia 8 (ARVD8). Also called: Arrhythmogenic Right Ventricular Dysplasia/Cardiomyopathy 8; ARRHYTHMOGENIC RIGHT VENTRICULAR DYSPLASIA, FAMILIAL, 8; ARRHYTHMOGENIC RIGHT VENTRICULAR CARDIOMYOPATHY 8. Identifiers: MedGen C1843896, MONDO:0011831, OMIM 607450.
Arrhythmogenic cardiomyopathy with wooly hair and keratoderma. Also called: PALMOPLANTAR KERATODERMA WITH LEFT VENTRICULAR CARDIOMYOPATHY AND WOOLLY HAIR; Carvajal syndrome; Dilated cardiomyopathy with woolly hair and keratoderma; Arrhythmogenic cardiomyopathy with woolly hair and keratoderma. Identifiers: Orphanet 65282, MedGen C1854063, MONDO:0011581, OMIM 605676.

Submissions (2):

Labcorp Genetics (formerly Invitae), Labcorp
Classification: Pathogenic for Arrhythmogenic right ventricular dysplasia 8. Last evaluated: 2017-04-10. Review status: criteria provided, single submitter. Criteria: Invitae Variant Classification Sherloc (09022015). Collection method: clinical testing. Allele origin: germline.
Comment: This sequence change deletes 1 nucleotide from exon 14 of the DSP mRNA (c.1883delG), causing a frameshift at codon 628. This creates a premature translational stop signal (p.Gly628Alafs*8) and is expected to result in an absent or disrupted protein product. While this particular variant has not been reported in the literature, loss-of-function variants in DSP are known to be pathogenic (PMID: 16061754, 20716751, 24503780). For these reasons, this variant has been classified as Pathogenic.

Labcorp Genetics (formerly Invitae), Labcorp
Classification: Pathogenic for Arrhythmogenic cardiomyopathy with wooly hair and keratoderma; Arrhythmogenic right ventricular dysplasia 8. Last evaluated: 2017-04-10. Review status: criteria provided, single submitter. Criteria: Invitae Variant Classification Sherloc (09022015). Collection method: clinical testing. Allele origin: germline.
Comment: the same text as in the submission from Labcorp Genetics (formerly Invitae), Labcorp above.

Literature cited by the submitters: PubMed 16061754; PubMed 20716751; PubMed 24503780.

NM_004415.4(DSP):c.1883del (p.Gly628fs)

Gene: DSP (desmoplakin; plus strand). Cytogenetic location: 6p24.3.
Variant type: Deletion.
Coding change: c.1883del on transcript NM_004415.4 (MANE Select); coding-DNA position 1883, one base deleted (G; older notation c.1883delG).
Protein change: p.Gly628fs; shifts the reading frame from glycine 628.
Molecular consequence: frameshift variant.
Genome position (GRCh38, 1-based): chr6:7,571,564, G deleted; the last of 2 consecutive G bases (chr6:7,571,563-7,571,564); deleting either gives the same sequence. VCF-style (leftmost placement, unchanged base first): chr6-7571562-TG-T. GRCh37 (hg19) VCF-style: chr6-7571795-TG-T.
Other names: c.1883del (LRG_423t1); c.1883del, p.Gly628fs (NM_001008844.3, NM_001319034.2); short protein forms G628fs.
Identifiers: ClinVar variation 405237 (VCV000405237.8), dbSNP rs1060500613, ClinGen allele CA16612194.
Genomic context (GRCh38, chr6:7,571,562, plus strand): 5'-AATACAGTCTCAGTTCACCGATGCCCAGAAGCATTACCAGACCCTGGTCATTCAGCTCCC[TG>T]GCTATCCCCAGCACCAGACAGGTCGGCTTGGGACATCTTTCTCTTTGTATCAACCATCCA-3'